The following is an entry in ClinVar:

NM_198428.3(BBS9):c.2421A>G (p.Gln807=)

Gene: BBS9 (Bardet-Biedl syndrome 9; plus strand). Cytogenetic location: 7p14.3.
Variant type: single nucleotide variant.
Coding change: c.2421A>G on transcript NM_198428.3 (MANE Select); coding-DNA position 2421, A replaced by G.
Protein change: p.Gln807=; no amino-acid change (glutamine 807 retained).
Molecular consequence: synonymous variant. On other transcripts: non-coding transcript variant (3).
Genome position (GRCh38, 1-based): chr7:33,534,076, A>G. VCF-style: chr7-33534076-A-G. GRCh37 (hg19) VCF-style: chr7-33573688-A-G.
Other names: c.2421A>G (NM_198428.2); c.2316A>G, p.Gln772= (NM_001033604.2); c.2406A>G, p.Gln802= (NM_001033605.2); c.2421A>G, p.Gln807= (NM_001348036.1, NM_001348041.4, NM_001348043.3 and 3 more transcripts); c.1872A>G, p.Gln624= (NM_001348037.3); c.2148A>G, p.Gln716= (NM_001348038.3); c.2043A>G, p.Gln681= (NM_001348039.3); c.2301A>G, p.Gln767= (NM_001348040.3, NM_014451.4); and 3 more.
Identifiers: ClinVar variation 2740779 (VCV002740779.5), dbSNP rs754989387, ClinGen allele CA4214680.

ClinVar aggregate classification (germline): Likely benign. Review status: criteria provided, single submitter (1 of 4 stars). 2 submissions from 2 submitters: Likely benign (1). 1 of the submissions does not count toward it. Last evaluated 2023-06-15.

Conditions:
BBS9-related disorder. Also called: BBS9-related condition.
Bardet-Biedl syndrome (BBS). Identifiers: Orphanet 110, MedGen C0752166, MONDO:0015229.

Allele frequency attached by ClinVar (database versions not stated): TOPMed below 0.00001; ExAC 0.00001; gnomAD 0.00001; gnomAD exomes 0.00001.
gnomAD v4.1: 10 of 1,614,094 alleles (0.00062%); highest among the groups gnomAD compares: African/African-American, 0.0027%; no homozygotes.

Submissions (2):

Labcorp Genetics (formerly Invitae), Labcorp
Classification: Likely benign for Bardet-Biedl syndrome. Last evaluated: 2023-06-15. Review status: criteria provided, single submitter. Criteria: Invitae Variant Classification Sherloc (09022015). Collection method: clinical testing. Allele origin: germline.

PreventionGenetics, part of Exact Sciences
Classification: Likely benign for BBS9-related condition. Last evaluated: 2021-04-14. Review status: no assertion criteria provided. Collection method: clinical testing. Allele origin: germline. Not counted in ClinVar's aggregate classification.
Comment: This variant is classified as likely benign based on ACMG/AMP sequence variant interpretation guidelines (Richards et al. 2015 PMID: 25741868, with internal and published modifications).